The following is an entry in ClinVar:

ClinVar aggregate classification (germline): Uncertain significance (1 of 4 stars; one submission).

Conditions:
Aortic aneurysm, familial thoracic 8 (AAT8). Identifiers: MedGen C3809513, MONDO:0014187, OMIM 615436.

Allele frequency attached by ClinVar (database versions not stated): gnomAD 0.00001; gnomAD exomes 0.00001; ExAC 0.00002.
gnomAD v4.1: 8 of 1,613,672 alleles (0.0005%); highest among the groups gnomAD compares: South Asian, 0.0033%; no homozygotes.

Submission:

Labcorp Genetics (formerly Invitae), Labcorp
Classification: Uncertain significance for Aortic aneurysm, familial thoracic 8. Last evaluated: 2025-07-23. Review status: criteria provided, single submitter. Criteria: Invitae Variant Classification Sherloc (09022015). Collection method: clinical testing. Allele origin: germline.
Comment: This sequence change replaces proline, which is neutral and non-polar, with threonine, which is neutral and polar, at codon 72 of the PRKG1 protein (p.Pro72Thr). This variant is present in population databases (rs776811147, gnomAD 0.007%). This variant has not been reported in the literature in individuals affected with PRKG1-related conditions. ClinVar contains an entry for this variant (Variation ID: 2110921). An algorithm developed to predict the effect of missense changes on protein structure and function outputs the following: PolyPhen-2: "Benign". The threonine amino acid residue is found in multiple mammalian species, which suggests that this missense change does not adversely affect protein function. In summary, the available evidence is currently insufficient to determine the role of this variant in disease. Therefore, it has been classified as a Variant of Uncertain Significance.

NM_006258.4(PRKG1):c.214C>A (p.Pro72Thr)

Gene: PRKG1 (protein kinase cGMP-dependent 1; plus strand). Cytogenetic location: 10q11.23.
Variant type: single nucleotide variant.
Coding change: c.214C>A on transcript NM_006258.4 (MANE Select); coding-DNA position 214, C replaced by A.
Protein change: p.Pro72Thr; replaces proline 72 with threonine.
Molecular consequence: missense variant. On other transcripts: intron variant (1).
Genome position (GRCh38, 1-based): chr10:51,074,804, C>A. VCF-style: chr10-51074804-C-A. GRCh37 (hg19) VCF-style: chr10-52834564-C-A.
Other names: c.214C>A, p.Pro72Thr (NM_001374782.1); c.267-78360C>A (NM_001098512.3); short protein forms P72T.
Identifiers: ClinVar variation 2110921 (VCV002110921.2), dbSNP rs776811147, ClinGen allele CA5503081.
Genomic context (GRCh38, chr10:51,074,804, plus strand): 5'-GTGATCCGACCAGCCACCCAGCAGGCGCAGAAGCAGAGCGCGAGCACCTTGCAGGGCGAG[C>A]CGCGCACCAAGCGGCAGGCGATCTCCGCCGAGCCCACCGCCTTCGACATCCAGGATCTCA-3'
Protein context (NP_006249.1, residues 62-82): KQSASTLQGE[Pro72Thr]RTKRQAISAE